The following is an entry in ClinVar:

NM_033225.6(CSMD1):c.3942G>A (p.Lys1314=)

Gene: CSMD1 (CUB and Sushi multiple domains 1; minus strand). Cytogenetic location: 8p23.2.
Variant type: single nucleotide variant.
Coding change: c.3942G>A on transcript NM_033225.6 (MANE Select); coding-DNA position 3942, G replaced by A.
Protein change: p.Lys1314=; no amino-acid change (lysine 1314 retained).
Molecular consequence: synonymous variant.
Genome position (GRCh38, 1-based): chr8:3,307,703, C>T on the plus strand (G>A on the coding strand, the complement: CSMD1 is on the minus strand). VCF-style: chr8-3307703-C-T. GRCh37 (hg19) VCF-style: chr8-3165225-C-T.
Identifiers: ClinVar variation 4851714 (VCV004851714.1).
Genomic context (GRCh38, chr8:3,307,703, plus strand): 5'-TAGAAGGCATATCTCTTTTCTCAAATCACTGAAACCAAAATAAAACAAGTACCTAATGGT[C>T]TTTCCTGGGTCTGCCTCTATAATCCAGGTGCAGTGGAGGTTGTTGTCATACGGAGCTGGA-3'
Protein context (NP_150094.5, residues 1304-1324): CTWIIEADPG[Lys1314=]TISLHFIVFD

ClinVar aggregate classification (germline): Uncertain significance (1 of 4 stars; one submission).

gnomAD v4.1: 85 of 1,613,038 alleles (0.0053%); highest among the groups gnomAD compares: Non-Finnish European, 0.0067%; no homozygotes.

Submission:

Greenwood Genetic Center Diagnostic Laboratories, Greenwood Genetic Center
Classification: Uncertain significance. Last evaluated: 2025-03-04. Review status: criteria provided, single submitter. Criteria: ACMG Guidelines, 2015. Collection method: clinical testing. Allele origin: germline.
Comment: PM2, BP4